The following is an entry in ClinVar:

ClinVar aggregate classification (germline): Uncertain significance (1 of 4 stars; one submission).

Conditions:
Charcot-Marie-Tooth disease type 4A. Also called: Charcot-Marie-Tooth disease, demyelinating, autosomal recessive, type 4a. Identifiers: Orphanet 99948, MedGen C1859198, MONDO:0008961, OMIM 214400.

Submission:

Labcorp Genetics (formerly Invitae), Labcorp
Classification: Uncertain significance for Charcot-Marie-Tooth disease type 4A. Last evaluated: 2021-12-22. Review status: criteria provided, single submitter. Criteria: Invitae Variant Classification Sherloc (09022015). Collection method: clinical testing. Allele origin: germline.
Comment: This sequence change replaces isoleucine, which is neutral and non-polar, with methionine, which is neutral and non-polar, at codon 152 of the GDAP1 protein (p.Ile152Met). This variant is present in population databases (no rsID available, gnomAD 0.0009%). This variant has not been reported in the literature in individuals affected with GDAP1-related conditions. Advanced modeling of protein sequence and biophysical properties (such as structural, functional, and spatial information, amino acid conservation, physicochemical variation, residue mobility, and thermodynamic stability) performed at Invitae indicates that this missense variant is expected to disrupt GDAP1 protein function. In summary, the available evidence is currently insufficient to determine the role of this variant in disease. Therefore, it has been classified as a Variant of Uncertain Significance.

NM_018972.4(GDAP1):c.456C>G (p.Ile152Met)

Gene: GDAP1 (ganglioside induced differentiation associated protein 1; plus strand). Cytogenetic location: 8q21.11.
Variant type: single nucleotide variant.
Coding change: c.456C>G on transcript NM_018972.4 (MANE Select); coding-DNA position 456, C replaced by G.
Protein change: p.Ile152Met; replaces isoleucine 152 with methionine.
Molecular consequence: missense variant. On other transcripts: intron variant (1).
Genome position (GRCh38, 1-based): chr8:74,360,282, C>G. VCF-style: chr8-74360282-C-G. GRCh37 (hg19) VCF-style: chr8-75272517-C-G.
Other names: c.252C>G, p.Ile84Met (NM_001040875.4); c.129C>G, p.Ile43Met (NM_001362929.2, NM_001362932.2); c.456C>G, p.Ile152Met (NM_001362931.2); c.311-1602C>G (NM_001362930.2); short protein forms I84M, I43M, I152M.
Identifiers: ClinVar variation 2052735 (VCV002052735.4), dbSNP rs1328516080, ClinGen allele CA371548910.